The following is an entry in ClinVar:

NM_006005.3(WFS1):c.*448A>T

Gene: WFS1 (wolframin ER transmembrane glycoprotein; plus strand). Cytogenetic location: 4p16.1.
Variant type: single nucleotide variant.
Coding change: c.*448A>T on transcript NM_006005.3 (MANE Select); 448 bases downstream of the stop codon, A replaced by T.
Molecular consequence: 3 prime UTR variant.
Genome position (GRCh38, 1-based): chr4:6,302,916, A>T. VCF-style: chr4-6302916-A-T. GRCh37 (hg19) VCF-style: chr4-6304643-A-T.
Other names: c.*448A>T (NM_001145853.1).
Identifiers: ClinVar variation 905387 (VCV000905387.5), dbSNP rs113513950, ClinGen allele CA91798312.

ClinVar aggregate classification (germline): Conflicting classifications of pathogenicity. Review status: criteria provided, conflicting classifications (1 of 4 stars). 3 submissions from 2 submitters: Uncertain significance (2); Benign (1). Last evaluated 2018-01-12.

Conditions:
Autosomal dominant nonsyndromic hearing loss 6 (LFSNHL). Also called: DEAFNESS, AUTOSOMAL DOMINANT 6; DEAFNESS, AUTOSOMAL DOMINANT 14; DEAFNESS, AUTOSOMAL DOMINANT 38; Autosomal dominant nonsyndromic deafness 6; DIDMOAD (Diabetes Insipidus, Diabetes Mellitus, Optic Atrophy, and Deafness). Identifiers: Orphanet 90635, MedGen C1833021, MONDO:0010963, OMIM 600965.
Wolfram syndrome 1 (WFS1). Identifiers: Orphanet 3463, MedGen C4551693, MONDO:0009101, OMIM 222300.
WFS1-Related Spectrum Disorders.

Allele frequency attached by ClinVar (database versions not stated): TOPMed 0.00072; gnomAD 0.00076 and 0.00090; gnomAD exomes 0.00106; 1000 Genomes Project 0.00200; 1000 Genomes Project 30x 0.00234.
gnomAD v4.1: 195 of 210,200 alleles (0.093%); highest among the groups gnomAD compares: South Asian, 0.26%; no homozygotes.

Submissions (3):

Illumina Laboratory Services, Illumina
Classification: Uncertain significance for Autosomal dominant nonsyndromic hearing loss 6. Last evaluated: 2018-01-12. Review status: criteria provided, single submitter. Criteria: ICSL Variant Classification Criteria 13 December 2019. Collection method: clinical testing. Allele origin: germline.

Illumina Laboratory Services, Illumina
Classification: Uncertain significance for WFS1-Related Spectrum Disorders. Last evaluated: 2018-01-12. Review status: criteria provided, single submitter. Criteria: ICSL Variant Classification Criteria 13 December 2019. Collection method: clinical testing. Allele origin: germline.

Clinical Genomics, Uppaluri K&H Personalized Medicine Clinic
Classification: Benign for Wolfram syndrome 1. Review status: criteria provided, single submitter. Criteria: K & H Uppaluri Personalized Medicine Clinic Variant Classification & Assertion Criteria_Updated V.1. Collection method: research. Allele origin: unknown. Inheritance: Autosomal recessive inheritance.
Comment: Potent mutations in WFS1 gene are associated with Wolfram's syndrome, an autosomal recessive condition, which cause diabetes mellitus, diabetes insipidus, deafness and optic atrophy.However no sufficient evidence is found to ascertain the role of this particular variant rs113513950 in Wolfram's syndrome yet.

Literature cited by the submitters: PubMed 20738327 (cited by Clinical Genomics, Uppaluri K&H Personalized Medicine Clinic); PubMed 33879153 (cited by Clinical Genomics, Uppaluri K&H Personalized Medicine Clinic); PubMed 12955714 (cited by Clinical Genomics, Uppaluri K&H Personalized Medicine Clinic); PubMed 18060660 (cited by Clinical Genomics, Uppaluri K&H Personalized Medicine Clinic); PubMed 20301750 (cited by Clinical Genomics, Uppaluri K&H Personalized Medicine Clinic); PubMed 17603484 (cited by Clinical Genomics, Uppaluri K&H Personalized Medicine Clinic).